The following is an entry in ClinVar:

ClinVar aggregate classification (germline): Uncertain significance (1 of 4 stars; one submission).

gnomAD v4.1: 2 of 1,613,676 alleles (0.00012%); highest among the groups gnomAD compares: Non-Finnish European, 0.00017%; no homozygotes.

Submission:

Labcorp Genetics (formerly Invitae), Labcorp
Classification: Uncertain significance. Last evaluated: 2024-06-01. Review status: criteria provided, single submitter. Criteria: Invitae Variant Classification Sherloc (09022015). Collection method: clinical testing. Allele origin: germline.
Comment: This sequence change replaces leucine, which is neutral and non-polar, with phenylalanine, which is neutral and non-polar, at codon 235 of the IARS2 protein (p.Leu235Phe). This variant is not present in population databases (gnomAD no frequency). This variant has not been reported in the literature in individuals affected with IARS2-related conditions. An algorithm developed to predict the effect of missense changes on protein structure and function (PolyPhen-2) suggests that this variant is likely to be tolerated. In summary, the available evidence is currently insufficient to determine the role of this variant in disease. Therefore, it has been classified as a Variant of Uncertain Significance.

NM_018060.4(IARS2):c.705G>C (p.Leu235Phe)

Gene: IARS2 (isoleucyl-tRNA synthetase 2, mitochondrial; plus strand). Cytogenetic location: 1q41.
Variant type: single nucleotide variant.
Coding change: c.705G>C on transcript NM_018060.4 (MANE Select); coding-DNA position 705, G replaced by C.
Protein change: p.Leu235Phe; replaces leucine 235 with phenylalanine.
Molecular consequence: missense variant.
Genome position (GRCh38, 1-based): chr1:220,102,368, G>C. VCF-style: chr1-220102368-G-C. GRCh37 (hg19) VCF-style: chr1-220275710-G-C.
Other names: short protein forms L235F.
Identifiers: ClinVar variation 3655147 (VCV003655147.2).